The following is an entry in ClinVar:

NM_000236.3(LIPC):c.551C>T (p.Thr184Met)

Gene: LIPC (lipase C, hepatic type; plus strand). Cytogenetic location: 15q21.3.
Variant type: single nucleotide variant.
Coding change: c.551C>T on transcript NM_000236.3 (MANE Select); coding-DNA position 551, C replaced by T.
Protein change: p.Thr184Met; replaces threonine 184 with methionine.
Molecular consequence: missense variant.
Genome position (GRCh38, 1-based): chr15:58,542,628, C>T. VCF-style: chr15-58542628-C-T. GRCh37 (hg19) VCF-style: chr15-58834827-C-T.
Other names: short protein forms T184M.
Identifiers: ClinVar variation 2352211 (VCV002352211.4), dbSNP rs138967170, ClinGen allele CA7584899.

ClinVar aggregate classification (germline): Uncertain significance. Review status: criteria provided, multiple submitters, no conflicts (2 of 4 stars). 2 submissions from 2 submitters: Uncertain significance (2). Last evaluated 2024-10-02.

Allele frequency attached by ClinVar (database versions not stated): ExAC 0.00012; TOPMed 0.00012; gnomAD 0.00019; gnomAD exomes 0.00019; ESP Exome Variant Server 0.00023; 1000 Genomes Project 30x 0.00031; 1000 Genomes Project 0.00040.
gnomAD v4.1: 303 of 1,612,674 alleles (0.019%); highest among the groups gnomAD compares: East Asian, 0.029%; no homozygotes.

Submissions (2):

Labcorp Genetics (formerly Invitae), Labcorp
Classification: Uncertain significance. Last evaluated: 2024-10-02. Review status: criteria provided, single submitter. Criteria: Invitae Variant Classification Sherloc (09022015). Collection method: clinical testing. Allele origin: germline.
Comment: This sequence change replaces threonine, which is neutral and polar, with methionine, which is neutral and non-polar, at codon 184 of the LIPC protein (p.Thr184Met). This variant is present in population databases (rs138967170, gnomAD 0.07%), and has an allele count higher than expected for a pathogenic variant. This missense change has been observed in individual(s) with suspected genetic dyslipidemia (PMID: 36325899). ClinVar contains an entry for this variant (Variation ID: 2352211). An algorithm developed to predict the effect of missense changes on protein structure and function (PolyPhen-2) suggests that this variant is likely to be disruptive. In summary, the available evidence is currently insufficient to determine the role of this variant in disease. Therefore, it has been classified as a Variant of Uncertain Significance.

Ambry Genetics
Classification: Uncertain significance. Last evaluated: 2021-07-09. Review status: criteria provided, single submitter. Criteria: Ambry Variant Classification Scheme 2023. Collection method: clinical testing. Allele origin: germline.

Literature cited by the submitters: PubMed 36325899 (cited by Labcorp Genetics (formerly Invitae), Labcorp).